The following is an entry in ClinVar:

ClinVar aggregate classification (germline): Uncertain significance. Review status: criteria provided, multiple submitters, no conflicts (2 of 4 stars). 4 submissions from 4 submitters: Uncertain significance (4). Last evaluated 2026-02-09.

Conditions:
ABCA4-related disorder. Also called: ABCA4-related condition; ABCA4-related disorders. Identifiers: MedGen CN239167.
Severe early-childhood-onset retinal dystrophy (STGD1). Also called: Stargardt macular dystrophy; Juvenile onset macular degeneration; Stargardt disease 1; MACULAR DYSTROPHY WITH FLECKS, TYPE 1; STGD. Identifiers: Orphanet 364055, Orphanet 827, MedGen C1855465, MeSH D000080362, MONDO:0009549, OMIM 248200.
Cone-rod dystrophy 3 (CORD3). Identifiers: Orphanet 1872, MedGen C1858806, MONDO:0011395, OMIM 604116.
Retinitis pigmentosa 19 (RP19). Also called: ABCA4-Related Retinitis Pigmentosa. Identifiers: Orphanet 791, MedGen C1866422, MONDO:0011137, OMIM 601718.
Age related macular degeneration 2. Also called: MACULAR DEGENERATION, SENILE; MACULOPATHY, AGE-RELATED, 2; MACULOPATHY, AGE-RELATED. Identifiers: MedGen C3495438, MONDO:0007932, OMIM 153800.

Allele frequency attached by ClinVar (database versions not stated): ExAC 0.00005; TOPMed 0.00006; ESP Exome Variant Server 0.00008; gnomAD 0.00006 and 0.00005; gnomAD exomes 0.00012 and 0.00009.
gnomAD v4.1: 188 of 1,614,022 alleles (0.012%); highest among the groups gnomAD compares: Non-Finnish European, 0.015%; no homozygotes.

Submissions (4):

PreventionGenetics, part of Exact Sciences
Classification: Uncertain significance for ABCA4-related condition. Last evaluated: 2026-02-09. Review status: criteria provided, single submitter. Criteria: ACMG Guidelines, 2015. Collection method: clinical testing. Allele origin: germline.
Comment: The ABCA4 c.2576A>G variant is predicted to result in the amino acid substitution p.Gln859Arg. This variant was reported, along with a second potential causative variant in the same gene, in individuals with inherited retinal disease (Hitti-Malin et al. 2022. PubMed ID: 36259723; supplementary data, Weisschuh et al. 2024. PubMed ID: 37734845). This variant is reported in 0.023% of alleles in individuals of Latino descent in gnomAD. At this time, the clinical significance of this variant is uncertain due to the absence of conclusive functional and genetic evidence.

Labcorp Genetics (formerly Invitae), Labcorp
Classification: Uncertain significance. Last evaluated: 2025-09-02. Review status: criteria provided, single submitter. Criteria: Invitae Variant Classification Sherloc (09022015). Collection method: clinical testing. Allele origin: germline.
Comment: This sequence change replaces glutamine, which is neutral and polar, with arginine, which is basic and polar, at codon 859 of the ABCA4 protein (p.Gln859Arg). This variant is present in population databases (rs140281495, gnomAD 0.02%). This missense change has been observed in individual(s) with inherited retinal disease and/or Stargardt disease (PMID: 36259723, 37734845). ClinVar contains an entry for this variant (Variation ID: 866492). Invitae Evidence Modeling of protein sequence and biophysical properties (such as structural, functional, and spatial information, amino acid conservation, physicochemical variation, residue mobility, and thermodynamic stability) indicates that this missense variant is not expected to disrupt ABCA4 protein function with a negative predictive value of 95%. In summary, the available evidence is currently insufficient to determine the role of this variant in disease. Therefore, it has been classified as a Variant of Uncertain Significance.

Fulgent Genetics
Classification: Uncertain significance for Age related macular degeneration 2; Severe early-childhood-onset retinal dystrophy; Retinitis pigmentosa 19; Cone-rod dystrophy 3. Last evaluated: 2022-03-29. Review status: criteria provided, single submitter. Criteria: ACMG Guidelines, 2015. Collection method: clinical testing. Allele origin: unknown.

Blueprint Genetics
Classification: Uncertain significance. Last evaluated: 2021-06-25. Review status: criteria provided, single submitter. Criteria: ACMG Guidelines, 2015. Collection method: clinical testing. Allele origin: germline.

Literature cited by the submitters: PubMed 36259723 (cited by Labcorp Genetics (formerly Invitae), Labcorp); PubMed 37734845 (cited by Labcorp Genetics (formerly Invitae), Labcorp).

NM_000350.3(ABCA4):c.2576A>G (p.Gln859Arg)

Gene: ABCA4 (ATP binding cassette subfamily A member 4; minus strand). Cytogenetic location: 1p22.1.
Variant type: single nucleotide variant.
Coding change: c.2576A>G on transcript NM_000350.3 (MANE Select); coding-DNA position 2576, A replaced by G.
Protein change: p.Gln859Arg; replaces glutamine 859 with arginine.
Molecular consequence: missense variant.
Genome position (GRCh38, 1-based): chr1:94,055,122, T>C on the plus strand (A>G on the coding strand, the complement: ABCA4 is on the minus strand). VCF-style: chr1-94055122-T-C. GRCh37 (hg19) VCF-style: chr1-94520678-T-C.
Other names: c.2354A>G, p.Gln785Arg (NM_001425324.1); short protein forms Q859R, Q785R.
Identifiers: ClinVar variation 866492 (VCV000866492.11), dbSNP rs140281495, ClinGen allele CA958243.
Genomic context (GRCh38, chr1:94,055,122, plus strand): 5'-GGGATCTGAAGAACTCAATTACCTTTACCCTATAGAGGAGGATGCTTACCTGGAAACACC[T>C]GATCAAGGTACCAAGCGAGTAAGCCATAGACAGCAGCATCAAGGAGCATCATCTGCATGG-3'
Protein context (NP_000341.2, residues 849-869): VYGLLAWYLD[Gln859Arg]VFPGDYGTPL